The following is an entry in ClinVar:

NM_198576.4(AGRN):c.5876+1G>A

Gene: AGRN (agrin; plus strand). Cytogenetic location: 1p36.33.
Variant type: single nucleotide variant.
Coding change: c.5876+1G>A on transcript NM_198576.4 (MANE Select); the canonical splice donor site of the intron after coding-DNA position 5876, G replaced by A.
Molecular consequence: splice donor variant.
Genome position (GRCh38, 1-based): chr1:1,053,978, G>A. VCF-style: chr1-1053978-G-A. GRCh37 (hg19) VCF-style: chr1-989358-G-A.
Other names: c.5945+1G>A (NM_001305275.2); c.5573+1G>A (NM_001364727.2).
Identifiers: ClinVar variation 2748133 (VCV002748133.3), dbSNP rs532386334, ClinGen allele CA16705971.

ClinVar aggregate classification (germline): Likely pathogenic (1 of 4 stars; one submission).

Conditions:
Congenital myasthenic syndrome 8. Also called: MYASTHENIC SYNDROME, CONGENITAL, DUE TO AGRIN DEFICIENCY; Myasthenic syndrome, congenital, 8, with pre- and postsynaptic defects. Identifiers: Orphanet 590, MedGen C3808739, MONDO:0014052, OMIM 615120.

Allele frequency attached by ClinVar (database versions not stated): gnomAD exomes below 0.00001.
gnomAD v4.1: 2 of 1,596,336 alleles (0.00013%); highest among the groups gnomAD compares: Non-Finnish European, 0.00017%; no homozygotes.

Submission:

Labcorp Genetics (formerly Invitae), Labcorp
Classification: Likely pathogenic for Congenital myasthenic syndrome 8. Last evaluated: 2023-05-29. Review status: criteria provided, single submitter. Criteria: Invitae Variant Classification Sherloc (09022015). Collection method: clinical testing. Allele origin: germline.
Comment: This sequence change affects a donor splice site in intron 34 of the AGRN gene. It is expected to disrupt RNA splicing. Variants that disrupt the donor or acceptor splice site typically lead to a loss of protein function (PMID: 16199547), and loss-of-function variants in AGRN are known to be pathogenic (PMID: 24951643). This variant is not present in population databases (gnomAD no frequency). This variant has not been reported in the literature in individuals affected with AGRN-related conditions. Algorithms developed to predict the effect of sequence changes on RNA splicing suggest that this variant may disrupt the consensus splice site. In summary, the currently available evidence indicates that the variant is pathogenic, but additional data are needed to prove that conclusively. Therefore, this variant has been classified as Likely Pathogenic.

Literature cited by the submitters: PubMed 16199547; PubMed 24951643.